The following is an entry in ClinVar:

NM_024664.4(PPCS):c.935G>T (p.Ter312Leu)

Genes: CCDC30 (coiled-coil domain containing 30; plus strand), PPCS (phosphopantothenoylcysteine synthetase; plus strand). Cytogenetic location: 1p34.2.
Variant type: single nucleotide variant.
Coding change: c.935G>T on transcript NM_024664.4 (MANE Select); coding-DNA position 935, G replaced by T.
Protein change: p.Ter312Leu.
Molecular consequence: stop lost. On other transcripts: intron variant (2).
Genome position (GRCh38, 1-based): chr1:42,459,925, G>T. VCF-style: chr1-42459925-G-T. GRCh37 (hg19) VCF-style: chr1-42925596-G-T.
Other names: c.416G>T, p.Ter139Leu (NM_001077447.3, NM_001287506.1, NM_001287508.2 and 2 more transcripts); c.317G>T, p.Ter106Leu (NM_001287507.1); c.-880+2575G>T (NM_001355226.2); c.612+2575G>T (NM_001287511.2).
Identifiers: ClinVar variation 1922296 (VCV001922296.2), dbSNP rs753360321, ClinGen allele CA21219434.
Genomic context (GRCh38, chr1:42,459,925, plus strand): 5'-AAGAGAAGATAGTGGATAATCTTCAGTCTCGACACACAGCTTTTATAGGTGACAGAAACT[G>T]AAGTAAAAAGCCCTTATAGGATCAAAAATTGTTCAGGGCTCTTAGAGATGGTGAAAACTA-3'

ClinVar aggregate classification (germline): Uncertain significance (1 of 4 stars; one submission).

Allele frequency attached by ClinVar (database versions not stated): TOPMed 0.00001.

Submission:

Labcorp Genetics (formerly Invitae), Labcorp
Classification: Uncertain significance. Last evaluated: 2022-02-18. Review status: criteria provided, single submitter. Criteria: Invitae Variant Classification Sherloc (09022015). Collection method: clinical testing. Allele origin: germline.
Comment: This sequence change disrupts the translational stop signal of the PPCS mRNA. It is expected to extend the length of the PPCS protein by 6 additional amino acid residues. This variant is not present in population databases (gnomAD no frequency). This variant has not been reported in the literature in individuals affected with PPCS-related conditions. In summary, the available evidence is currently insufficient to determine the role of this variant in disease. Therefore, it has been classified as a Variant of Uncertain Significance.